The following is an entry in ClinVar:

ClinVar aggregate classification (germline): Uncertain significance. Review status: criteria provided, multiple submitters, no conflicts (2 of 4 stars). 2 submissions from 2 submitters: Uncertain significance (2). Last evaluated 2025-07-01.

Conditions:
Inborn genetic diseases. Identifiers: MedGen C0950123, MeSH D030342.

gnomAD v4.1: 2 of 1,613,692 alleles (0.00012%); highest among the groups gnomAD compares: African/African-American, 0.0027%; no homozygotes.

Submissions (2):

Ambry Genetics
Classification: Uncertain significance for Inborn genetic diseases. Last evaluated: 2025-07-01. Review status: criteria provided, single submitter. Criteria: Ambry Variant Classification Scheme 2023. Collection method: clinical testing. Allele origin: germline.

Labcorp Genetics (formerly Invitae), Labcorp
Classification: Uncertain significance. Last evaluated: 2024-10-04. Review status: criteria provided, single submitter. Criteria: Invitae Variant Classification Sherloc (09022015). Collection method: clinical testing. Allele origin: germline.
Comment: This sequence change replaces lysine, which is basic and polar, with threonine, which is neutral and polar, at codon 2712 of the PCLO protein (p.Lys2712Thr). This variant is not present in population databases (gnomAD no frequency). This variant has not been reported in the literature in individuals affected with PCLO-related conditions. Experimental studies and prediction algorithms are not available or were not evaluated, and the functional significance of this variant is currently unknown. In summary, the available evidence is currently insufficient to determine the role of this variant in disease. Therefore, it has been classified as a Variant of Uncertain Significance.

NM_033026.6(PCLO):c.8135A>C (p.Lys2712Thr)

Gene: PCLO (piccolo presynaptic cytomatrix protein; minus strand). Cytogenetic location: 7q21.11.
Variant type: single nucleotide variant.
Coding change: c.8135A>C on transcript NM_033026.6 (MANE Select); coding-DNA position 8135, A replaced by C.
Protein change: p.Lys2712Thr; replaces lysine 2712 with threonine.
Molecular consequence: missense variant.
Genome position (GRCh38, 1-based): chr7:82,952,818, T>G on the plus strand (A>C on the coding strand, the complement: PCLO is on the minus strand). VCF-style: chr7-82952818-T-G. GRCh37 (hg19) VCF-style: chr7-82582134-T-G.
Other names: c.8135A>C (NM_033026.5); c.8135A>C, p.Lys2712Thr (NM_014510.3); short protein forms K2712T.
Identifiers: ClinVar variation 3676612 (VCV003676612.2).